The following is an entry in ClinVar:

ClinVar aggregate classification (germline): Uncertain significance. Review status: criteria provided, multiple submitters, no conflicts (2 of 4 stars). 2 submissions from 2 submitters: Uncertain significance (2). Last evaluated 2025-04-14.

Conditions:
Hereditary cancer-predisposing syndrome. Also called: Hereditary Cancer Syndrome; Hereditary neoplastic syndrome; Neoplastic Syndromes, Hereditary; Tumor predisposition. Identifiers: Orphanet 140162, MedGen C0027672, MeSH D009386, MONDO:0015356.
Hereditary breast ovarian cancer syndrome. Also called: Hereditary breast and/or ovarian cancer syndrome; Breast and ovarian cancer; BRCA1- and BRCA2-Associated Hereditary Breast and Ovarian Cancer; Hereditary breast and ovarian cancer syndrome; Hereditary breast and ovarian cancer syndrome (HBOC); Hereditary breast and ovarian cancer. Identifiers: Orphanet 145, MedGen C0677776, MeSH D061325, MONDO:0003582. Disease mechanism: loss of function.

Submissions (2):

Ambry Genetics
Classification: Uncertain significance for Hereditary cancer-predisposing syndrome. Last evaluated: 2025-04-14. Review status: criteria provided, single submitter. Criteria: Ambry Variant Classification Scheme 2023. Collection method: clinical testing. Allele origin: germline.
Comment: The p.E97D variant (also known as c.291A>T), located in coding exon 2 of the BRCA2 gene, results from an A to T substitution at nucleotide position 291. The glutamic acid at codon 97 is replaced by aspartic acid, an amino acid with highly similar properties. This amino acid position is not well conserved in available vertebrate species. In addition, this alteration is predicted to be tolerated by in silico analysis. Based on the available evidence, the clinical significance of this variant remains unclear.

Labcorp Genetics (formerly Invitae), Labcorp
Classification: Uncertain significance for Hereditary breast ovarian cancer syndrome. Last evaluated: 2016-11-24. Review status: criteria provided, single submitter. Criteria: Invitae Variant Classification Sherloc (09022015). Collection method: clinical testing. Allele origin: germline.
Comment: In summary, this is a rare missense change with uncertain impact on protein function. It has been classified as a Variant of Uncertain Significance. Algorithms developed to predict the effect of missense changes on protein structure and function do not agree on the potential impact of this missense change (SIFT: "Tolerated"; PolyPhen-2: "Possibly Damaging"; Align-GVGD: "Class C0"). This variant is not present in population databases (ExAC no frequency) and has not been reported in the literature in individuals with a BRCA2-related disease. ClinVar contains an entry for this variant (Variation ID: 216243). This sequence change replaces glutamic acid with aspartic acid at codon 97 of the BRCA2 protein (p.Glu97Asp). The glutamic acid residue is highly conserved and there is a small physicochemical difference between glutamic acid and aspartic acid.

NM_000059.4(BRCA2):c.291A>T (p.Glu97Asp)

Gene: BRCA2 (BRCA2 DNA repair associated; plus strand). Cytogenetic location: 13q13.1.
Variant type: single nucleotide variant.
Coding change: c.291A>T on transcript NM_000059.4 (MANE Select); coding-DNA position 291, A replaced by T.
Protein change: p.Glu97Asp; replaces glutamic acid 97 with aspartic acid.
Molecular consequence: missense variant.
Genome position (GRCh38, 1-based): chr13:32,319,300, A>T. VCF-style: chr13-32319300-A-T. GRCh37 (hg19) VCF-style: chr13-32893437-A-T.
Other names: short protein forms E97D.
Identifiers: ClinVar variation 216243 (VCV000216243.10), dbSNP rs863224587, ClinGen allele CA337924.